The following is an entry in ClinVar:

ClinVar aggregate classification (germline): Likely benign. Review status: criteria provided, multiple submitters, no conflicts (2 of 4 stars). 3 submissions from 3 submitters: Likely benign (3). Last evaluated 2026-03-05.

Conditions:
Cardiovascular phenotype. Identifiers: MedGen CN230736.
Familial hypercholesterolemia. Also called: Familial hypercholesterolaemia; Familial hypercholesterolemias. Identifiers: MedGen C0020445, MONDO:0005439.
Familial hypobetalipoproteinemia 1. Also called: Hypobetalipoproteinemia, normotriglyceridemic; Acanthocytosis with hypobetalipoproteinemia; APOB-Related Familial Hypobetalipoproteinemia. Identifiers: MedGen C4551990, MONDO:0014252, OMIM 615558.
Hypercholesterolemia, autosomal dominant, type B (FHCL2). Also called: APOB-Related Familial Hypercholesterolemia, Autosomal Dominant; Familial Hypercholesterolemia Type B; APOLIPOPROTEIN B-100, FAMILIAL DEFECTIVE; APOLIPOPROTEIN B-100, FAMILIAL LIGAND-DEFECTIVE; HYPERCHOLESTEROLEMIA, FAMILIAL, DUE TO LIGAND-DEFECTIVE APOLIPOPROTEIN B; Hyperlipoproteinemia Type IIb. Identifiers: MedGen C1704417, MONDO:0007751, OMIM 144010.

Allele frequency attached by ClinVar (database versions not stated): gnomAD 0.00001; gnomAD exomes 0.00001 and 0.00002; TOPMed 0.00001; ExAC 0.00002.
gnomAD v4.1: 9 of 1,612,876 alleles (0.00056%); highest among the groups gnomAD compares: South Asian, 0.0055%; no homozygotes.

Submissions (3):

GENinCode PLC
Classification: Likely benign for Familial hypercholesterolemia. Last evaluated: 2026-03-05. Review status: criteria provided, single submitter. Criteria: ACMG Guidelines, 2015. Collection method: clinical testing. Allele origin: germline.
Comment: This is a synonymous (silent) variant that is not predicted to impact splicing and occurs at a nucleotide which is not highly conserved. This variant has been classified as Likely Benign (BP4, BP7).

Labcorp Genetics (formerly Invitae), Labcorp
Classification: Likely benign for Familial hypobetalipoproteinemia 1; Hypercholesterolemia, autosomal dominant, type B. Last evaluated: 2025-09-12. Review status: criteria provided, single submitter. Criteria: Invitae Variant Classification Sherloc (09022015). Collection method: clinical testing. Allele origin: germline.

Ambry Genetics
Classification: Likely benign for Cardiovascular phenotype. Last evaluated: 2025-06-07. Review status: criteria provided, single submitter. Criteria: Ambry Variant Classification Scheme 2023. Collection method: clinical testing. Allele origin: germline.

NM_000384.3(APOB):c.8544T>C (p.Asn2848=)

Gene: APOB (apolipoprotein B; minus strand). Cytogenetic location: 2p24.1.
Variant type: single nucleotide variant.
Coding change: c.8544T>C on transcript NM_000384.3 (MANE Select); coding-DNA position 8544, T replaced by C.
Protein change: p.Asn2848=; no amino-acid change (asparagine 2848 retained).
Molecular consequence: synonymous variant.
Genome position (GRCh38, 1-based): chr2:21,008,324, A>G on the plus strand (T>C on the coding strand, the complement: APOB is on the minus strand). VCF-style: chr2-21008324-A-G. GRCh37 (hg19) VCF-style: chr2-21231196-A-G.
Identifiers: ClinVar variation 2930137 (VCV002930137.5), dbSNP rs370969429, ClinGen allele CA065786.